The following is an entry in ClinVar:

NM_000287.4(PEX6):c.152C>A (p.Ala51Glu)

Gene: PEX6 (peroxisomal biogenesis factor 6; minus strand). Cytogenetic location: 6p21.1.
Variant type: single nucleotide variant.
Coding change: c.152C>A on transcript NM_000287.4 (MANE Select); coding-DNA position 152, C replaced by A.
Protein change: p.Ala51Glu; replaces alanine 51 with glutamic acid.
Molecular consequence: missense variant. On other transcripts: non-coding transcript variant (1).
Genome position (GRCh38, 1-based): chr6:42,978,999, G>T on the plus strand (C>A on the coding strand, the complement: PEX6 is on the minus strand). VCF-style: chr6-42978999-G-T. GRCh37 (hg19) VCF-style: chr6-42946737-G-T.
Other names: c.152C>A (NM_000287.3); c.152C>A, p.Ala51Glu (NM_001316313.2); short protein forms A51E.
Identifiers: ClinVar variation 1017038 (VCV001017038.6), dbSNP rs931068715, ClinGen allele CA138238687.

ClinVar aggregate classification (germline): Uncertain significance. Review status: criteria provided, multiple submitters, no conflicts (2 of 4 stars). 4 submissions from 4 submitters: Uncertain significance (3). 1 of the submissions does not count toward it. Last evaluated 2025-09-26.

Conditions:
Zellweger spectrum disorders (ZS). Also called: Zellweger Spectrum Disorder (ZSD); Zellweger Spectrum Disorder; Zellweger Spectrum; Zellweger syndrome. Identifiers: Orphanet 912, MedGen C0043459, MONDO:0019609.
Inborn genetic diseases. Identifiers: MedGen C0950123, MeSH D030342.
Peroxisome biogenesis disorder. Identifiers: Orphanet 79189, MedGen C1832200, MONDO:0019234. Disease mechanism: loss of function.

Allele frequency attached by ClinVar (database versions not stated): gnomAD exomes 0.00003.
gnomAD v4.1: 13 of 1,512,962 alleles (0.00086%); highest among the groups gnomAD compares: East Asian, 0.034%; no homozygotes.

Submissions (4):

Ambry Genetics
Classification: Uncertain significance for Inborn genetic diseases. Last evaluated: 2025-09-26. Review status: criteria provided, single submitter. Criteria: Ambry Variant Classification Scheme 2023. Collection method: clinical testing. Allele origin: germline.

Labcorp Genetics (formerly Invitae), Labcorp
Classification: Uncertain significance for Peroxisome biogenesis disorder. Last evaluated: 2025-04-28. Review status: criteria provided, single submitter. Criteria: Invitae Variant Classification Sherloc (09022015). Collection method: clinical testing. Allele origin: germline.
Comment: This sequence change replaces alanine, which is neutral and non-polar, with glutamic acid, which is acidic and polar, at codon 51 of the PEX6 protein (p.Ala51Glu). This variant is present in population databases (no rsID available, gnomAD 0.04%). This variant has not been reported in the literature in individuals affected with PEX6-related conditions. ClinVar contains an entry for this variant (Variation ID: 1017038). An algorithm developed to predict the effect of missense changes on protein structure and function (PolyPhen-2) suggests that this variant is likely to be disruptive. In summary, the available evidence is currently insufficient to determine the role of this variant in disease. Therefore, it has been classified as a Variant of Uncertain Significance.

Blueprint Genetics
Classification: Uncertain significance. Last evaluated: 2023-10-05. Review status: criteria provided, single submitter. Criteria: ACMG Guidelines, 2015. Collection method: clinical testing. Allele origin: germline.

Natera, Inc.
Classification: Uncertain significance for Zellweger syndrome. Last evaluated: 2021-05-19. Review status: no assertion criteria provided. Collection method: clinical testing. Allele origin: germline. Not counted in ClinVar's aggregate classification.